The following is an entry in ClinVar:

ClinVar aggregate classification (germline): Conflicting classifications of pathogenicity. Review status: criteria provided, conflicting classifications (1 of 4 stars). 2 submissions from 2 submitters: Likely pathogenic (1); Uncertain significance (1). Last evaluated 2024-04-30.

Submissions (2):

Labcorp Genetics (formerly Invitae), Labcorp
Classification: Likely pathogenic. Last evaluated: 2024-04-30. Review status: criteria provided, single submitter. Criteria: Invitae Variant Classification Sherloc (09022015). Collection method: clinical testing. Allele origin: germline.
Comment: This sequence change affects a donor splice site in intron 13 of the IMPDH1 gene. It is expected to disrupt RNA splicing. Variants that disrupt the donor or acceptor splice site typically lead to a loss of protein function (PMID: 16199547), and loss-of-function variants in IMPDH1 are known to be pathogenic (PMID: 14981049, 33090715). This variant is not present in population databases (gnomAD no frequency). This variant has not been reported in the literature in individuals affected with IMPDH1-related conditions. Algorithms developed to predict the effect of sequence changes on RNA splicing suggest that this variant may disrupt the consensus splice site. In summary, the currently available evidence indicates that the variant is pathogenic, but additional data are needed to prove that conclusively. Therefore, this variant has been classified as Likely Pathogenic.

Blueprint Genetics
Classification: Uncertain significance. Last evaluated: 2020-09-10. Review status: criteria provided, single submitter. Criteria: ACMG Guidelines, 2015. Collection method: clinical testing. Allele origin: germline.

Literature cited by the submitters: PubMed 16199547 (cited by Labcorp Genetics (formerly Invitae), Labcorp); PubMed 14981049 (cited by Labcorp Genetics (formerly Invitae), Labcorp); PubMed 33090715 (cited by Labcorp Genetics (formerly Invitae), Labcorp).

NM_000883.4(IMPDH1):c.1405+1G>A

Gene: IMPDH1 (inosine monophosphate dehydrogenase 1; minus strand). Cytogenetic location: 7q32.1.
Variant type: single nucleotide variant.
Coding change: c.1405+1G>A on transcript NM_000883.4 (MANE Select); the canonical splice donor site of the intron after coding-DNA position 1405, G replaced by A.
Molecular consequence: splice donor variant.
Genome position (GRCh38, 1-based): chr7:128,395,130, C>T on the plus strand (G>A on the coding strand, the complement: IMPDH1 is on the minus strand). VCF-style: chr7-128395130-C-T. GRCh37 (hg19) VCF-style: chr7-128035184-C-T.
Other names: c.1198+1G>A (NM_001304521.2); c.1297+1G>A (NM_183243.3); c.1375+1G>A (NM_001102605.2); c.1306+1G>A (NM_001142576.2); c.1075+1G>A (NM_001142575.2); c.1135+1G>A (NM_001142574.2); c.1150+1G>A (NM_001142573.2).
Identifiers: ClinVar variation 3708397 (VCV003708397.3).
Genomic context (GRCh38, chr7:128,395,130, plus strand): 5'-AGTGCCACCCCCCCAGCTTCCAGCCCTCGCCTGCCCAATCCCCAGCACATTCTCCCCTCA[C>T]CTGTGGAGGCTCCAAGGGCCAGGGCCTTGACCACGTGTCCCACGGTCTGGATGCCGCCAT-3'